The following is an entry in ClinVar:

ClinVar aggregate classification (germline): Likely pathogenic (1 of 4 stars; one submission).

Submission:

CeGaT Center for Human Genetics Tuebingen
Classification: Likely pathogenic. Last evaluated: 2022-12-01. Review status: criteria provided, single submitter. Criteria: CeGaT Center For Human Genetics Tuebingen Variant Classification Criteria Version 2. Collection method: clinical testing. Allele origin: germline. Affected: yes. Observed: 2 variant alleles.
Comment: NF1: PM2, PM4, PP4:Moderate

NM_001042492.3(NF1):c.6953_6955dup (p.Val2318_Ala2319insVal)

Gene: NF1 (neurofibromin 1; plus strand). Cytogenetic location: 17q11.2.
Variant type: Duplication.
Coding change: c.6953_6955dup on transcript NM_001042492.3 (MANE Select); coding-DNA positions 6953 to 6955, 3 bases duplicated (TAG; older notation c.6953_6955dupTAG).
Protein change: p.Val2318_Ala2319insVal.
Molecular consequence: inframe insertion. On other transcripts: inframe indel (1).
Genome position (GRCh38, 1-based): chr17:31,340,536-31,340,538, TAG duplicated; duplicating any 3 consecutive bases within chr17:31,340,535-31,340,538 gives the same sequence; the c. name uses the placement nearest the transcript's 3' end. VCF-style (leftmost placement, unchanged base first): chr17-31340534-G-GGTA. GRCh37 (hg19) VCF-style: chr17-29667552-G-GGTA.
Other names: c.6890_6892dup, p.Val2297_Ala2298insVal (NM_000267.4).
Identifiers: ClinVar variation 1879369 (VCV001879369.29), dbSNP rs2508770046, ClinGen allele CA2580093184.